The following is an entry in ClinVar:

ClinVar aggregate classification (germline): Benign. Review status: criteria provided, multiple submitters, no conflicts (2 of 4 stars). 7 submissions from 7 submitters: Benign (7). Last evaluated 2026-02-04.

Allele frequency attached by ClinVar (database versions not stated): ESP Exome Variant Server 0.21529; gnomAD 0.23782 and 0.24432; TOPMed 0.27083; 1000 Genomes Project 30x 0.35603; 1000 Genomes Project 0.35923.
gnomAD v4.1: 294,107 of 1,609,702 alleles (18%); highest among the groups gnomAD compares: East Asian, 49%; 35,509 homozygotes.

Submissions (26):

Labcorp Genetics (formerly Invitae), Labcorp
Classification: Benign. Last evaluated: 2026-02-04. Review status: criteria provided, single submitter. Criteria: Invitae Variant Classification Sherloc (09022015). Collection method: clinical testing. Allele origin: germline.

Blueprint Genetics
Classification: Benign. Last evaluated: 2024-11-28. Review status: criteria provided, single submitter. Criteria: ACMG Guidelines, 2015. Collection method: clinical testing. Allele origin: germline.

Mayo Clinic Laboratories, Mayo Clinic
Classification: Benign. Last evaluated: 2022-03-09. Review status: criteria provided, single submitter. Criteria: ACMG Guidelines, 2015. Collection method: clinical testing. Allele origin: germline. Observed: 73 variant alleles.

GeneDx
Classification: Benign. Last evaluated: 2018-11-10. Review status: criteria provided, single submitter. Criteria: GeneDx Variant Classification (06012015). Collection method: clinical testing. Allele origin: germline. Affected: yes.

Laboratory for Molecular Medicine, Mass General Brigham Personalized Medicine
Classification: Benign. Last evaluated: 2016-03-21. Review status: criteria provided, single submitter. Criteria: LMM Criteria. Collection method: clinical testing. Allele origin: germline. Observed: 1 variant allele.
Comment: c.267+5G>A in intron 3 of AP2S1: This variant is not expected to have clinical s ignificance because it has been identified in 50.36% (4346/8630) of East Asian c hromosomes by the Exome Aggregation Consortium (ExAC .org; dbSNP rs312186).

Breakthrough Genomics
Classification: Benign. Review status: criteria provided, single submitter. Criteria: ACMG Guidelines, 2015. Collection method: not provided. Allele origin: germline. Inheritance: Autosomal dominant inheritance. Affected: yes.

PreventionGenetics, part of Exact Sciences
Classification: Benign. Review status: criteria provided, single submitter. Criteria: ACMG Guidelines, 2015. Collection method: clinical testing. Allele origin: germline.

Dr. Peter K. Rogan Lab, Western University
No classification provided (evidence only). Condition: Colorectal cancer. Review status: no classification provided. Collection method: in vitro. Allele origin: not applicable. Functional consequence: retained intron. Not counted in ClinVar's aggregate classification.

Dr. Peter K. Rogan Lab, Western University
No classification provided (evidence only). Condition: Colorectal cancer. Review status: no classification provided. Collection method: in vitro. Allele origin: not applicable. Functional consequence: skipped exon. Not counted in ClinVar's aggregate classification.

Dr. Peter K. Rogan Lab, Western University
No classification provided (evidence only). Condition: Colorectal cancer. Review status: no classification provided. Collection method: in vitro. Allele origin: not applicable. Functional consequence: retained intron. Not counted in ClinVar's aggregate classification.

Dr. Peter K. Rogan Lab, Western University
No classification provided (evidence only). Condition: Colorectal cancer. Review status: no classification provided. Collection method: in vitro. Allele origin: not applicable. Functional consequence: retained intron. Not counted in ClinVar's aggregate classification.

Dr. Peter K. Rogan Lab, Western University
No classification provided (evidence only). Condition: Colorectal cancer. Review status: no classification provided. Collection method: in vitro. Allele origin: not applicable. Functional consequence: retained intron. Not counted in ClinVar's aggregate classification.

Dr. Peter K. Rogan Lab, Western University
No classification provided (evidence only). Condition: Colorectal cancer. Review status: no classification provided. Collection method: in vitro. Allele origin: not applicable. Functional consequence: retained intron. Not counted in ClinVar's aggregate classification.

Dr. Peter K. Rogan Lab, Western University
No classification provided (evidence only). Condition: Colorectal cancer. Review status: no classification provided. Collection method: in vitro. Allele origin: not applicable. Functional consequence: retained intron. Not counted in ClinVar's aggregate classification.

Dr. Peter K. Rogan Lab, Western University
No classification provided (evidence only). Condition: Colorectal cancer. Review status: no classification provided. Collection method: in vitro. Allele origin: not applicable. Functional consequence: retained intron. Not counted in ClinVar's aggregate classification.

Dr. Peter K. Rogan Lab, Western University
No classification provided (evidence only). Condition: Colorectal cancer. Review status: no classification provided. Collection method: in vitro. Allele origin: not applicable. Functional consequence: skipped exon. Not counted in ClinVar's aggregate classification.

Dr. Peter K. Rogan Lab, Western University
No classification provided (evidence only). Condition: Colorectal cancer. Review status: no classification provided. Collection method: in vitro. Allele origin: not applicable. Functional consequence: skipped exon, retained intron. Not counted in ClinVar's aggregate classification.

Dr. Peter K. Rogan Lab, Western University
No classification provided (evidence only). Condition: Hepatocellular carcinoma. Review status: no classification provided. Collection method: in vitro. Allele origin: not applicable. Functional consequence: skipped exon. Not counted in ClinVar's aggregate classification.

Dr. Peter K. Rogan Lab, Western University
No classification provided (evidence only). Condition: Adrenocortical carcinoma, hereditary. Review status: no classification provided. Collection method: in vitro. Allele origin: not applicable. Functional consequence: retained intron. Not counted in ClinVar's aggregate classification.

Dr. Peter K. Rogan Lab, Western University
No classification provided (evidence only). Condition: Adrenocortical carcinoma, hereditary. Review status: no classification provided. Collection method: in vitro. Allele origin: not applicable. Functional consequence: retained intron. Not counted in ClinVar's aggregate classification.

Dr. Peter K. Rogan Lab, Western University
No classification provided (evidence only). Condition: Adrenocortical carcinoma, hereditary. Review status: no classification provided. Collection method: in vitro. Allele origin: not applicable. Functional consequence: skipped exon, retained intron. Not counted in ClinVar's aggregate classification.

Dr. Peter K. Rogan Lab, Western University
No classification provided (evidence only). Condition: Adrenocortical carcinoma, hereditary. Review status: no classification provided. Collection method: in vitro. Allele origin: not applicable. Functional consequence: skipped exon, retained intron. Not counted in ClinVar's aggregate classification.

Dr. Peter K. Rogan Lab, Western University
No classification provided (evidence only). Condition: Adrenocortical carcinoma, hereditary. Review status: no classification provided. Collection method: in vitro. Allele origin: not applicable. Functional consequence: skipped exon. Not counted in ClinVar's aggregate classification.

Dr. Peter K. Rogan Lab, Western University
No classification provided (evidence only). Condition: Adrenocortical carcinoma, hereditary. Review status: no classification provided. Collection method: in vitro. Allele origin: not applicable. Functional consequence: retained intron. Not counted in ClinVar's aggregate classification.

Dr. Peter K. Rogan Lab, Western University
No classification provided (evidence only). Condition: Adrenocortical carcinoma, hereditary. Review status: no classification provided. Collection method: in vitro. Allele origin: not applicable. Functional consequence: skipped exon, retained intron. Not counted in ClinVar's aggregate classification.

Dr. Peter K. Rogan Lab, Western University
No classification provided (evidence only). Condition: Adrenocortical carcinoma, hereditary. Review status: no classification provided. Collection method: in vitro. Allele origin: not applicable. Functional consequence: skipped exon, retained intron. Not counted in ClinVar's aggregate classification.

NM_004069.6(AP2S1):c.267+5G>A

Gene: AP2S1 (adaptor related protein complex 2 subunit sigma 1; minus strand). Cytogenetic location: 19q13.32.
Variant type: single nucleotide variant.
Coding change: c.267+5G>A on transcript NM_004069.6 (MANE Select); 5 bases into the intron after coding-DNA position 267, G replaced by A.
Molecular consequence: intron variant.
Genome position (GRCh38, 1-based): chr19:46,839,460, C>T on the plus strand (G>A on the coding strand, the complement: AP2S1 is on the minus strand). VCF-style: chr19-46839460-C-T. GRCh37 (hg19) VCF-style: chr19-47342717-C-T.
Other names: c.154-661G>A (NM_021575.5); c.309+5G>A (NM_001301078.3); c.273+5G>A (NM_001301081.3); c.315+5G>A (NM_001301076.3); c.267+5G>A (NM_004069.5).
Identifiers: ClinVar variation 259227 (VCV000259227.18), dbSNP rs312186, ClinGen allele CA9532958.